The following is an entry in ClinVar:

NM_004006.3(DMD):c.1366A>T (p.Lys456Ter)

Gene: DMD (dystrophin; minus strand). Cytogenetic location: Xp21.1.
Variant type: single nucleotide variant.
Coding change: c.1366A>T on transcript NM_004006.3 (MANE Select); coding-DNA position 1366, A replaced by T.
Protein change: p.Lys456Ter; replaces lysine 456 with a stop codon.
Molecular consequence: nonsense.
Genome position (GRCh38, 1-based): chrX:32,614,419, T>A on the plus strand (A>T on the coding strand, the complement: DMD is on the minus strand). VCF-style: chrX-32614419-T-A. GRCh37 (hg19) VCF-style: chrX-32632536-T-A.
Other names: c.1342A>T, p.Lys448Ter (NM_000109.4); c.1354A>T, p.Lys452Ter (NM_004009.3); c.997A>T, p.Lys333Ter (NM_004010.3); short protein forms K456*, K333*, K452*, K448*.
Identifiers: ClinVar variation 526066 (VCV000526066.8), dbSNP rs1556853298, ClinGen allele CA412670345.

ClinVar aggregate classification (germline): Pathogenic. Review status: criteria provided, multiple submitters, no conflicts (2 of 4 stars). 2 submissions from 2 submitters: Pathogenic (2). Last evaluated 2023-11-20.

Conditions:
Duchenne muscular dystrophy (DMD). Also called: Duchenne Muscular Dystrophy (DMD); MUSCULAR DYSTROPHY, PSEUDOHYPERTROPHIC PROGRESSIVE, DUCHENNE TYPE. Identifiers: Orphanet 98896, MedGen C0013264, MONDO:0010679, OMIM 310200.

Submissions (2):

GeneDx
Classification: Pathogenic. Last evaluated: 2023-11-20. Review status: criteria provided, single submitter. Criteria: GeneDx Variant Classification Process June 2021. Collection method: clinical testing. Allele origin: germline. Affected: yes.
Comment: Nonsense variant predicted to result in protein truncation or nonsense mediated decay in a gene for which loss of function is a known mechanism of disease; Not observed at significant frequency in large population cohorts (gnomAD); Has not been previously published as pathogenic or benign to our knowledge; Based on the understanding of this genetic alteration, it may be amenable to nonsense read-through therapy that is currently available or in clinical trial

Labcorp Genetics (formerly Invitae), Labcorp
Classification: Pathogenic for Duchenne muscular dystrophy. Last evaluated: 2017-12-13. Review status: criteria provided, single submitter. Criteria: Invitae Variant Classification Sherloc (09022015). Collection method: clinical testing. Allele origin: germline.
Comment: This variant has been reported in individuals affected with Duchenne muscular dystrophy (DMD) in the Leiden Open-source Variation Database (PMID: 16770791). This sequence change creates a premature translational stop signal (p.Lys456*) in the DMD gene. It is expected to result in an absent or disrupted protein product. This variant is not present in population databases (ExAC no frequency). Loss-of-function variants in DMD are known to be pathogenic (PMID: 16770791, 25007885). For these reasons, this variant has been classified as Pathogenic.

Literature cited by the submitters: PubMed 16770791 (cited by Labcorp Genetics (formerly Invitae), Labcorp); PubMed 25007885 (cited by Labcorp Genetics (formerly Invitae), Labcorp).